The following is an entry in ClinVar:

ClinVar aggregate classification (germline): Uncertain significance (1 of 4 stars; one submission).

Conditions:
Inborn genetic diseases. Identifiers: MedGen C0950123, MeSH D030342.

Submission:

Ambry Genetics
Classification: Uncertain significance for Inborn genetic diseases. Last evaluated: 2025-07-28. Review status: criteria provided, single submitter. Criteria: Ambry Variant Classification Scheme 2023. Collection method: clinical testing. Allele origin: germline.
Comment: The p.H982N variant (also known as c.2944C>A), located in coding exon 29 of the RTEL1 gene, results from a C to A substitution at nucleotide position 2944. The histidine at codon 982 is replaced by asparagine, an amino acid with similar properties. This amino acid position is conserved. In addition, this alteration is predicted to be tolerated by in silico analysis. Based on the available evidence, the clinical significance of this variant remains unclear.

NM_001283009.2(RTEL1):c.2944C>A (p.His982Asn)

Genes: RTEL1 (regulator of telomere elongation helicase 1; plus strand), RTEL1-TNFRSF6B (RTEL1-TNFRSF6B readthrough (NMD candidate); plus strand). Cytogenetic location: 20q13.33.
Variant type: single nucleotide variant.
Coding change: c.2944C>A on transcript NM_001283009.2 (MANE Select); coding-DNA position 2944, C replaced by A.
Protein change: p.His982Asn; replaces histidine 982 with asparagine.
Molecular consequence: missense variant. On other transcripts: non-coding transcript variant (1).
Genome position (GRCh38, 1-based): chr20:63,693,235, C>A. VCF-style: chr20-63693235-C-A. GRCh37 (hg19) VCF-style: chr20-62324588-C-A.
Other names: c.2275C>A, p.His759Asn (NM_001283010.1); c.2944C>A, p.His982Asn (NM_016434.4); c.3016C>A, p.His1006Asn (NM_032957.5); short protein forms H982N, H1006N, H759N.
Identifiers: ClinVar variation 4157620 (VCV004157620.1).